The following is an entry in ClinVar:

ClinVar aggregate classification (germline): Likely benign. Review status: reviewed by expert panel (3 of 4 stars). 2 submissions from 2 submitters: Likely benign (1). 1 of the submissions does not count toward it. Last evaluated 2026-04-29.

Conditions:
Inborn genetic diseases. Identifiers: MedGen C0950123, MeSH D030342.
Hereditary thrombocytopenia and hematologic cancer predisposition syndrome. Identifiers: Orphanet 71290, MedGen CN281654, MONDO:0011071.

gnomAD v4.1: 1 of 1,597,202 alleles (0.000063%); highest among the groups gnomAD compares: Non-Finnish European, 0.000085%; no homozygotes.

Submissions (2):

ClinGen Myeloid Malignancy Variant Curation Expert Panel
Classification: Likely benign for Hereditary thrombocytopenia and hematologic cancer predisposition syndrome. Last evaluated: 2026-04-29. Review status: reviewed by expert panel. Criteria: ClinGen MyeloMalig ACMG Specifications V3.1. Collection method: curation. Allele origin: germline. Inheritance: Autosomal dominant inheritance.
Comment: NM_001754.5(RUNX1):c.1080C>T (p.Val360=) is a synonymous variant which has a SpliceAI score ≤ 0.20 (0.0) (BP4, BP7). This variant has a MAF ≤ 0.00005 in gnomAD v4 across all subpopulations with at least 20X coverage for RUNX1 (PM2_supporting). In summary, this variant meets criteria to be classified as likely benign. ACMG/AMP criteria applied, as specified by the Myeloid Malignancy Variant Curation Expert Panel for RUNX1: BP4, BP7, PM2_supporting.

Ambry Genetics
Classification: Likely benign for Inborn genetic diseases. Last evaluated: 2025-02-15. Review status: criteria provided, single submitter. Criteria: Ambry Variant Classification Scheme 2023. Collection method: clinical testing. Allele origin: germline. Not counted in ClinVar's aggregate classification.

NM_001754.5(RUNX1):c.1080C>T (p.Val360=)

Gene: RUNX1 (RUNX family transcription factor 1; minus strand). Cytogenetic location: 21q22.12.
Variant type: single nucleotide variant.
Coding change: c.1080C>T on transcript NM_001754.5 (MANE Select); coding-DNA position 1080, C replaced by T.
Protein change: p.Val360=; no amino-acid change (valine 360 retained).
Molecular consequence: synonymous variant.
Genome position (GRCh38, 1-based): chr21:34,792,498, G>A on the plus strand (C>T on the coding strand, the complement: RUNX1 is on the minus strand). VCF-style: chr21-34792498-G-A. GRCh37 (hg19) VCF-style: chr21-36164795-G-A.
Other names: NM_001754.5(RUNX1):c.1080C>T; p.Val360=; c.999C>T, p.Val333= (NM_001001890.3).
Identifiers: ClinVar variation 3791513 (VCV003791513.3).